The following is an entry in ClinVar:

NM_001854.4(COL11A1):c.1056G>A (p.Arg352=)

Gene: COL11A1 (collagen type XI alpha 1 chain; minus strand). Cytogenetic location: 1p21.1.
Variant type: single nucleotide variant.
Coding change: c.1056G>A on transcript NM_001854.4 (MANE Select); coding-DNA position 1056, G replaced by A.
Protein change: p.Arg352=; no amino-acid change (arginine 352 retained).
Molecular consequence: synonymous variant. On other transcripts: non-coding transcript variant (1), intron variant (1).
Genome position (GRCh38, 1-based): chr1:103,022,931, C>T on the plus strand (G>A on the coding strand, the complement: COL11A1 is on the minus strand). VCF-style: chr1-103022931-C-T. GRCh37 (hg19) VCF-style: chr1-103488487-C-T.
Other names: c.939G>A, p.Arg313= (NM_001190709.2); c.1092G>A, p.Arg364= (NM_080629.3); c.898-1162G>A (NM_080630.4).
Identifiers: ClinVar variation 681178 (VCV000681178.6), dbSNP rs762727530, ClinGen allele CA975123.

ClinVar aggregate classification (germline): Conflicting classifications of pathogenicity. Review status: criteria provided, conflicting classifications (1 of 4 stars). 4 submissions from 4 submitters: Uncertain significance (1); Likely benign (3). Last evaluated 2025-09-30.

Conditions:
Connective tissue disorder. Also called: Connective tissue disease. Identifiers: MedGen C0009782, MONDO:0003900.

Allele frequency attached by ClinVar (database versions not stated): gnomAD 0.00001; gnomAD exomes 0.00001 and 0.00002; ExAC 0.00002; TOPMed 0.00002.
gnomAD v4.1: 12 of 1,613,416 alleles (0.00074%); highest among the groups gnomAD compares: East Asian, 0.027%; no homozygotes.

Submissions (4):

Labcorp Genetics (formerly Invitae), Labcorp
Classification: Likely benign. Last evaluated: 2025-09-30. Review status: criteria provided, single submitter. Criteria: Invitae Variant Classification Sherloc (09022015). Collection method: clinical testing. Allele origin: germline.

Blueprint Genetics
Classification: Likely benign. Last evaluated: 2022-05-31. Review status: criteria provided, single submitter. Criteria: ACMG Guidelines, 2015. Collection method: clinical testing. Allele origin: germline.

Genome Diagnostics Laboratory, The Hospital for Sick Children
Classification: Uncertain significance for Connective tissue disorder. Last evaluated: 2021-10-28. Review status: criteria provided, single submitter. Criteria: ACMG Guidelines, 2015. Collection method: clinical testing. Allele origin: germline.

GeneDx
Classification: Likely benign. Last evaluated: 2018-03-27. Review status: criteria provided, single submitter. Criteria: GeneDx Variant Classification (06012015). Collection method: clinical testing. Allele origin: germline. Affected: yes.
Comment: This variant is considered likely benign or benign based on one or more of the following criteria: it is a conservative change, it occurs at a poorly conserved position in the protein, it is predicted to be benign by multiple in silico algorithms, and/or has population frequency not consistent with disease.